The following is an entry in ClinVar:

ClinVar aggregate classification (germline): Conflicting classifications of pathogenicity. Review status: criteria provided, conflicting classifications (1 of 4 stars). 9 submissions from 9 submitters: Uncertain significance (1); Benign (2); Likely benign (4). 2 of the submissions do not count toward it. Last evaluated 2026-01-12.

Conditions:
Cardiovascular phenotype. Identifiers: MedGen CN230736.
Cardiomyopathy (CMYO). Also called: Cardiomyopathies. Identifiers: Orphanet 167848, MedGen C0878544, MONDO:0004994, HP:0001638. Inheritance: Various modes of inheritance.
Dilated cardiomyopathy 1DD (CMD1DD). Identifiers: Orphanet 154, MedGen C2750995, MONDO:0013168, OMIM 613172.

Allele frequency attached by ClinVar (database versions not stated): ExAC 0.00005; gnomAD exomes 0.00005 and 0.00032; gnomAD 0.00007 and 0.00008; TOPMed 0.00013; 1000 Genomes Project 30x 0.00031; 1000 Genomes Project 0.00040.
gnomAD v4.1: 79 of 1,548,314 alleles (0.0051%); highest among the groups gnomAD compares: East Asian, 0.18%; no homozygotes.

Submissions (9):

Labcorp Genetics (formerly Invitae), Labcorp
Classification: Likely benign for Dilated cardiomyopathy 1DD. Last evaluated: 2026-01-12. Review status: criteria provided, single submitter. Criteria: Invitae Variant Classification Sherloc (09022015). Collection method: clinical testing. Allele origin: germline.

Women's Health and Genetics/Laboratory Corporation of America, LabCorp
Classification: Benign. Last evaluated: 2025-01-27. Review status: criteria provided, single submitter. Criteria: LabCorp Variant Classification Summary - May 2015. Collection method: clinical testing. Allele origin: germline.

Blueprint Genetics
Classification: Likely benign. Last evaluated: 2024-09-17. Review status: criteria provided, single submitter. Criteria: ACMG Guidelines, 2015. Collection method: clinical testing. Allele origin: germline.

CeGaT Center for Human Genetics Tuebingen
Classification: Likely benign. Last evaluated: 2022-11-01. Review status: criteria provided, single submitter. Criteria: CeGaT Center For Human Genetics Tuebingen Variant Classification Criteria Version 2. Collection method: clinical testing. Allele origin: germline. Affected: yes. Observed: 2 variant alleles.
Comment: RBM20: BP4, BP7

Ambry Genetics
Classification: Likely benign for Cardiovascular phenotype. Last evaluated: 2022-04-03. Review status: criteria provided, single submitter. Criteria: Ambry Variant Classification Scheme 2023. Collection method: clinical testing. Allele origin: germline.

CHEO Genetics Diagnostic Laboratory, Children's Hospital of Eastern Ontario
Classification: Benign for Cardiomyopathy. Last evaluated: 2021-09-24. Review status: criteria provided, single submitter. Criteria: ACMG Guidelines, 2015. Collection method: clinical testing. Allele origin: germline.

Illumina Laboratory Services, Illumina
Classification: Uncertain significance for Dilated cardiomyopathy 1DD. Last evaluated: 2018-01-12. Review status: criteria provided, single submitter. Criteria: ICSL Variant Classification Criteria 13 December 2019. Collection method: clinical testing. Allele origin: germline.

Genome Diagnostics Laboratory, University Medical Center Utrecht
Classification: Benign. Review status: no assertion criteria provided. Collection method: clinical testing. Allele origin: germline. Affected: yes. Study: VKGL Data-share Consensus. Not counted in ClinVar's aggregate classification.

Joint Genome Diagnostic Labs from Nijmegen and Maastricht, Radboudumc and MUMC+
Classification: Likely benign. Review status: no assertion criteria provided. Collection method: clinical testing. Allele origin: germline. Affected: yes. Study: VKGL Data-share Consensus. Not counted in ClinVar's aggregate classification.

NM_001134363.3(RBM20):c.1053C>T (p.Asp351=)

Gene: RBM20 (RNA binding motif protein 20; plus strand). Cytogenetic location: 10q25.2.
Variant type: single nucleotide variant.
Coding change: c.1053C>T on transcript NM_001134363.3 (MANE Select); coding-DNA position 1053, C replaced by T.
Protein change: p.Asp351=; no amino-acid change (aspartic acid 351 retained).
Molecular consequence: synonymous variant.
Genome position (GRCh38, 1-based): chr10:110,781,662, C>T. VCF-style: chr10-110781662-C-T. GRCh37 (hg19) VCF-style: chr10-112541420-C-T.
Other names: c.1053C>T (LRG_382t1).
Identifiers: ClinVar variation 298791 (VCV000298791.53), dbSNP rs192232825, ClinGen allele CA5688550.